The following is an entry in ClinVar:

ClinVar aggregate classification (germline): Conflicting classifications of pathogenicity. Review status: criteria provided, conflicting classifications (1 of 4 stars). 19 submissions from 19 submitters: Uncertain significance (1); Benign (7); Likely benign (9). 2 of the submissions do not count toward it. Last evaluated 2026-02-04.

Conditions:
STK11-related disorder. Also called: STK11-related condition.
Breast and/or ovarian cancer. Identifiers: MedGen CN221562.
Hereditary cancer-predisposing syndrome. Also called: Tumor predisposition; Neoplastic Syndromes, Hereditary; Hereditary neoplastic syndrome; Hereditary Cancer Syndrome. Identifiers: Orphanet 140162, MedGen C0027672, MeSH D009386, MONDO:0015356.
Peutz-Jeghers syndrome (PJS). Also called: Peutz-Jeghers polyposis; Periorificial lentiginosis syndrome; POLYPOSIS, HAMARTOMATOUS INTESTINAL; POLYPS-AND-SPOTS SYNDROME. Identifiers: Orphanet 2869, MedGen C0031269, MeSH D010580, MONDO:0008280, OMIM 175200.

Allele frequency attached by ClinVar (database versions not stated): ExAC 0.00008; 1000 Genomes Project 30x 0.00016; TOPMed 0.00033; gnomAD 0.00035; ESP Exome Variant Server 0.00048.
gnomAD v4.1: 136 of 1,542,458 alleles (0.0088%); highest among the groups gnomAD compares: African/African-American, 0.11%; no homozygotes.

Submissions (19):

Labcorp Genetics (formerly Invitae), Labcorp
Classification: Benign for Peutz-Jeghers syndrome. Last evaluated: 2026-02-04. Review status: criteria provided, single submitter. Criteria: Invitae Variant Classification Sherloc (09022015). Collection method: clinical testing. Allele origin: germline.

Center for Genomic Medicine, Rigshospitalet, Copenhagen University Hospital
Classification: Likely benign. Last evaluated: 2025-03-04. Review status: criteria provided, single submitter. Criteria: ACMG Guidelines, 2015. Collection method: clinical testing. Allele origin: germline.

All of Us Research Program, National Institutes of Health
Classification: Likely benign for Peutz-Jeghers syndrome. Last evaluated: 2024-02-05. Review status: criteria provided, single submitter. Criteria: ACMG Guidelines, 2015. Collection method: clinical testing. Allele origin: germline. Inheritance: Autosomal dominant inheritance. Observed: 19 variant alleles, 19 heterozygotes.
Comment: This study involves interpretation of variants in research participants for the purpose of population health screening. Participant phenotype was not available at the time of variant classification. Additional details can be found in publication PMID: 35346344, PMCID: PMC8962531

Institute for Biomarker Research, Medical Diagnostic Laboratories, L.L.C.
Classification: Likely benign for Hereditary cancer-predisposing syndrome. Last evaluated: 2023-05-16. Review status: criteria provided, single submitter. Criteria: ACMG Guidelines, 2015. Collection method: clinical testing. Allele origin: germline.

Myriad Genetics, Inc.
Classification: Benign for Peutz-Jeghers syndrome. Last evaluated: 2023-04-12. Review status: criteria provided, single submitter. Criteria: Myriad Autosomal Dominant, Autosomal Recessive and X-Linked Classification Criteria (2023). Collection method: clinical testing. Allele origin: unknown.
Comment: This variant is considered benign. This variant is a silent/synonymous amino acid change and it is not expected to impact splicing.

Department of Pathology and Laboratory Medicine, Sinai Health System
Classification: Likely benign for Peutz-Jeghers syndrome. Last evaluated: 2022-12-22. Review status: criteria provided, single submitter. Criteria: ACMG Guidelines, 2015. Collection method: clinical testing. Allele origin: germline. Affected: yes.

Blueprint Genetics
Classification: Likely benign. Last evaluated: 2022-01-18. Review status: criteria provided, single submitter. Criteria: ACMG Guidelines, 2015. Collection method: clinical testing. Allele origin: germline.

Quest Diagnostics Nichols Institute San Juan Capistrano
Classification: Benign. Last evaluated: 2022-01-07. Review status: criteria provided, single submitter. Criteria: Quest Diagnostics criteria. Collection method: clinical testing. Allele origin: unknown.

Sema4
Classification: Benign for Hereditary cancer-predisposing syndrome. Last evaluated: 2021-10-12. Review status: criteria provided, single submitter. Criteria: Sema4 Curation Guidelines. Collection method: curation. Allele origin: germline.

Genome-Nilou Lab
Classification: Likely benign for Peutz-Jeghers syndrome. Last evaluated: 2021-07-15. Review status: criteria provided, single submitter. Criteria: ACMG Guidelines, 2015. Collection method: clinical testing. Allele origin: germline. Affected: no.

CHEO Genetics Diagnostic Laboratory, Children's Hospital of Eastern Ontario
Classification: Likely benign for Breast and/or ovarian cancer. Last evaluated: 2021-05-19. Review status: criteria provided, single submitter. Criteria: ACMG Guidelines, 2015. Collection method: clinical testing. Allele origin: germline.

ARUP Laboratories, Molecular Genetics and Genomics, ARUP Laboratories
Classification: Benign. Last evaluated: 2018-08-29. Review status: criteria provided, single submitter. Criteria: ARUP Molecular Germline Variant Investigation Process. Collection method: clinical testing. Allele origin: germline.

Women's Health and Genetics/Laboratory Corporation of America, LabCorp
Classification: Benign. Last evaluated: 2018-02-23. Review status: criteria provided, single submitter. Criteria: LabCorp Variant Classification Summary - May 2015. Collection method: clinical testing. Allele origin: germline.
Comment: Variant summary: STK11 c.1284G>A alters a non-conserved nucleotide resulting in a synonymous change. 5/5 computational tools predict no significant impact on normal splicing. However, these predictions have yet to be confirmed by functional studies. The observed variant frequency within African control individuals in the gnomAD database is approximately 176 fold above the estimated maximal expected allele frequency for a pathogenic variant in STK11 causing Peutz-Jeghers Syndrome phenotype (6.3e-06), strongly suggesting that the variant is a benign polymorphism found primarily in populations of African origin. To our knowledge, no occurrence of c.1284G>A in individuals affected with Peutz-Jeghers Syndrome and no experimental evidence demonstrating its impact on protein function have been reported. Five clinical diagnostic laboratories have submitted clinical-significance assessments for this variant to ClinVar after 2014 without evidence for independent evaluation. All laboratories classified the variant as benign/likely benign. Based on the evidence outlined above, the variant was classified as benign.

Illumina Laboratory Services, Illumina
Classification: Uncertain significance for Peutz-Jeghers syndrome. Last evaluated: 2018-01-12. Review status: criteria provided, single submitter. Criteria: ICSL Variant Classification Criteria 13 December 2019. Collection method: clinical testing. Allele origin: germline.

Color Diagnostics, LLC DBA Color Health
Classification: Likely benign for Hereditary cancer-predisposing syndrome. Last evaluated: 2015-07-17. Review status: criteria provided, single submitter. Criteria: ACMG Guidelines, 2015. Collection method: clinical testing. Allele origin: germline.

GeneDx
Classification: Benign. Last evaluated: 2015-06-22. Review status: criteria provided, single submitter. Criteria: GeneDx Variant Classification (06012015). Collection method: clinical testing. Allele origin: germline. Affected: yes.
Comment: This variant is considered likely benign or benign based on one or more of the following criteria: it is a conservative change, it occurs at a poorly conserved position in the protein, it is predicted to be benign by multiple in silico algorithms, and/or has population frequency not consistent with disease.

Ambry Genetics
Classification: Likely benign for Hereditary cancer-predisposing syndrome. Last evaluated: 2014-07-15. Review status: criteria provided, single submitter. Criteria: Ambry Variant Classification Scheme 2023. Collection method: clinical testing. Allele origin: germline.

PreventionGenetics, part of Exact Sciences
Classification: Likely benign for STK11-related condition. Last evaluated: 2019-07-17. Review status: no assertion criteria provided. Collection method: clinical testing. Allele origin: germline. Not counted in ClinVar's aggregate classification.
Comment: This variant is classified as likely benign based on ACMG/AMP sequence variant interpretation guidelines (Richards et al. 2015 PMID: 25741868, with internal and published modifications).

Counsyl
Classification: Likely benign for Peutz-Jeghers syndrome. Last evaluated: 2016-06-09. Review status: no assertion criteria provided. Collection method: clinical testing. Allele origin: unknown. Not counted in ClinVar's aggregate classification.

NM_000455.5(STK11):c.1284G>A (p.Ser428=)

Gene: STK11 (serine/threonine kinase 11; plus strand). Cytogenetic location: 19p13.3.
Variant type: single nucleotide variant.
Coding change: c.1284G>A on transcript NM_000455.5 (MANE Select); coding-DNA position 1284, G replaced by A.
Protein change: p.Ser428=; no amino-acid change (serine 428 retained).
Molecular consequence: synonymous variant.
Genome position (GRCh38, 1-based): chr19:1,226,629, G>A. VCF-style: chr19-1226629-G-A. GRCh37 (hg19) VCF-style: chr19-1226628-G-A.
Identifiers: ClinVar variation 184031 (VCV000184031.44), dbSNP rs369097329, ClinGen allele CA022604.
Genomic context (GRCh38, chr19:1,226,629, plus strand): 5'-CCGGGCCCCCAACCCTGCCCGCAAGGCCTGCTCCGCCAGCAGCAAGATCCGCCGGCTGTC[G>A]GCCTGCAAGCAGCAGTGAGGCTGGCCGCCTGCAGGTGGGGCGCGGCGGGGCCCGGGTGGG-3'
Protein context (NP_000446.1, residues 418-433): CSASSKIRRL[Ser428=]ACKQQ